The following is an entry in ClinVar:

NM_001018115.3(FANCD2):c.465G>A (p.Glu155=)

Genes: FANCD2 (FA complementation group D2; plus strand), LOC107303338 (3p25 FANCD2 Alu-mediated recombination region; plus strand). Cytogenetic location: 3p25.3.
Variant type: single nucleotide variant.
Coding change: c.465G>A on transcript NM_001018115.3 (MANE Select); coding-DNA position 465, G replaced by A.
Protein change: p.Glu155=; no amino-acid change (glutamic acid 155 retained).
Molecular consequence: synonymous variant.
Genome position (GRCh38, 1-based): chr3:10,036,313, G>A. VCF-style: chr3-10036313-G-A. GRCh37 (hg19) VCF-style: chr3-10077997-G-A.
Other names: c.465G>A, p.Glu155= (NM_001319984.2, NM_001374253.1, NM_001374254.1 and 2 more transcripts).
Identifiers: ClinVar variation 4682062 (VCV004682062.5).

ClinVar aggregate classification (germline): Uncertain significance (1 of 4 stars; one submission).

gnomAD v4.1: 1 of 1,612,922 alleles (0.000062%); highest among the groups gnomAD compares: Non-Finnish European, 0.000085%; no homozygotes.

Submission:

CeGaT Center for Human Genetics Tuebingen
Classification: Uncertain significance. Last evaluated: 2025-12-01. Review status: criteria provided, single submitter. Criteria: CeGaT Center For Human Genetics Tuebingen Variant Classification Criteria Version 2. Collection method: clinical testing. Allele origin: germline. Affected: yes. Observed: 1 variant allele.
Comment: FANCD2: PM2, BP4